The following is an entry in ClinVar:

ClinVar aggregate classification (germline): Uncertain significance (0 of 4 stars; one submission).

Conditions:
PLXNA2-related disorder. Also called: PLXNA2-related condition.

gnomAD v4.1: 1 of 1,603,758 alleles (0.000062%); highest among the groups gnomAD compares: African/African-American, 0.0013%; no homozygotes.

Submission:

PreventionGenetics, part of Exact Sciences
Classification: Uncertain significance for PLXNA2-related condition. Last evaluated: 2024-06-16. Review status: no assertion criteria provided. Collection method: clinical testing. Allele origin: germline.
Comment: The PLXNA2 c.2994-10T>G variant is predicted to interfere with splicing. To our knowledge, this variant has not been reported in the literature or in a large population database, indicating this variant is rare. However, the use of computer prediction programs is not equivalent to functional evidence, and therefore the clinical significance of this variant is uncertain.

NM_025179.4(PLXNA2):c.2994-10T>G

Gene: PLXNA2 (plexin A2; minus strand). Cytogenetic location: 1q32.2.
Variant type: single nucleotide variant.
Coding change: c.2994-10T>G on transcript NM_025179.4 (MANE Select); 10 bases into the intron before coding-DNA position 2994, T replaced by G.
Molecular consequence: intron variant.
Genome position (GRCh38, 1-based): chr1:208,051,433, A>C on the plus strand (T>G on the coding strand, the complement: PLXNA2 is on the minus strand). VCF-style: chr1-208051433-A-C. GRCh37 (hg19) VCF-style: chr1-208224778-A-C.
Identifiers: ClinVar variation 3353273 (VCV003353273.1).